The following is an entry in ClinVar:

NM_017777.4(MKS1):c.1151A>G (p.Glu384Gly)

Gene: MKS1 (MKS transition zone complex subunit 1; minus strand). Cytogenetic location: 17q22.
Variant type: single nucleotide variant.
Coding change: c.1151A>G on transcript NM_017777.4 (MANE Select); coding-DNA position 1151, A replaced by G.
Protein change: p.Glu384Gly; replaces glutamic acid 384 with glycine.
Molecular consequence: missense variant.
Genome position (GRCh38, 1-based): chr17:58,208,119, T>C on the plus strand (A>G on the coding strand, the complement: MKS1 is on the minus strand). VCF-style: chr17-58208119-T-C. GRCh37 (hg19) VCF-style: chr17-56285480-T-C.
Other names: c.542A>G, p.Glu181Gly (NM_001321268.2); c.1151A>G, p.Glu384Gly (NM_001321269.2, NM_001330397.2, NM_001411113.1); short protein forms E181G, E384G.
Identifiers: ClinVar variation 4983983 (VCV004983983.1).

ClinVar aggregate classification (germline): Uncertain significance (1 of 4 stars; one submission).

Conditions:
MKS1-related disorder. Also called: MKS1-related disorders; MKS1-related condition. Identifiers: MedGen CN239382.

gnomAD v4.1: 4 of 1,613,658 alleles (0.00025%); highest among the groups gnomAD compares: Non-Finnish European, 0.00034%; no homozygotes.

Submission:

PreventionGenetics, part of Exact Sciences
Classification: Uncertain significance for MKS1-related condition. Last evaluated: 2026-01-07. Review status: criteria provided, single submitter. Criteria: ACMG Guidelines, 2015. Collection method: clinical testing. Allele origin: germline.
Comment: The MKS1 c.1151A>G variant is predicted to result in the amino acid substitution p.Glu384Gly. To our knowledge, this variant has not been reported in the literature or in a large population database (gnomAD), indicating this variant is rare. At this time, the clinical significance of this variant is uncertain due to the absence of conclusive functional and genetic evidence.